The following is an entry in ClinVar:

ClinVar aggregate classification (germline): Uncertain significance. Review status: criteria provided, multiple submitters, no conflicts (2 of 4 stars). 2 submissions from 2 submitters: Uncertain significance (2). Last evaluated 2025-12-02.

Conditions:
Joubert syndrome. Also called: JOUBERT-BOLTSHAUSER SYNDROME; Familial aplasia of the vermis. Identifiers: Orphanet 475, MedGen C5979921, MONDO:0018772.
Meckel-Gruber syndrome. Also called: Dysencephalia splachnocystica; GRUBER SYNDROME; DYSENCEPHALIA SPLANCHNOCYSTICA. Identifiers: Orphanet 564, MedGen C0265215, MONDO:0018921.

gnomAD v4.1: 1 of 1,610,052 alleles (0.000062%); no homozygotes.

Submissions (2):

Labcorp Genetics (formerly Invitae), Labcorp
Classification: Uncertain significance for Joubert syndrome; Meckel-Gruber syndrome. Last evaluated: 2025-12-02. Review status: criteria provided, single submitter. Criteria: Invitae Variant Classification Sherloc (09022015). Collection method: clinical testing. Allele origin: germline.
Comment: This sequence change replaces asparagine, which is neutral and polar, with serine, which is neutral and polar, at codon 455 of the RPGRIP1L protein (p.Asn455Ser). This variant is not present in population databases (gnomAD no frequency). This variant has not been reported in the literature in individuals affected with RPGRIP1L-related conditions. ClinVar contains an entry for this variant (Variation ID: 866500). Invitae Evidence Modeling of protein sequence and biophysical properties (such as structural, functional, and spatial information, amino acid conservation, physicochemical variation, residue mobility, and thermodynamic stability) indicates that this missense variant is not expected to disrupt RPGRIP1L protein function with a negative predictive value of 80%. In summary, the available evidence is currently insufficient to determine the role of this variant in disease. Therefore, it has been classified as a Variant of Uncertain Significance.

Blueprint Genetics
Classification: Uncertain significance. Last evaluated: 2018-12-16. Review status: criteria provided, single submitter. Criteria: ACMG Guidelines, 2015. Collection method: clinical testing. Allele origin: germline.

NM_015272.5(RPGRIP1L):c.1364A>G (p.Asn455Ser)

Gene: RPGRIP1L (RPGRIP1 like; minus strand). Cytogenetic location: 16q12.2.
Variant type: single nucleotide variant.
Coding change: c.1364A>G on transcript NM_015272.5 (MANE Select); coding-DNA position 1364, A replaced by G.
Protein change: p.Asn455Ser; replaces asparagine 455 with serine.
Molecular consequence: missense variant.
Genome position (GRCh38, 1-based): chr16:53,658,451, T>C on the plus strand (A>G on the coding strand, the complement: RPGRIP1L is on the minus strand). VCF-style: chr16-53658451-T-C. GRCh37 (hg19) VCF-style: chr16-53692363-T-C.
Other names: c.1364A>G, p.Asn455Ser (NM_001127897.4, NM_001308334.3, NM_001330538.2); short protein forms N455S.
Identifiers: ClinVar variation 866500 (VCV000866500.7), dbSNP rs1967458211, ClinGen allele CA395919957.